The following is an entry in ClinVar:

ClinVar aggregate classification (germline): Conflicting classifications of pathogenicity. Review status: criteria provided, conflicting classifications (1 of 4 stars). 3 submissions from 3 submitters: Uncertain significance (1); Likely benign (1). 1 of the submissions does not count toward it. Last evaluated 2025-03-14.

Conditions:
Alstrom syndrome (ALMS). Identifiers: Orphanet 64, MedGen C0268425, MONDO:0008763, OMIM 203800.
Cardiovascular phenotype. Identifiers: MedGen CN230736.

Allele frequency attached by ClinVar (database versions not stated): gnomAD 0.00001; TOPMed 0.00001.
gnomAD v4.1: 6 of 1,613,930 alleles (0.00037%); highest among the groups gnomAD compares: Admixed American, 0.0017%; no homozygotes.

Submissions (3):

Ambry Genetics
Classification: Likely benign for Cardiovascular phenotype. Last evaluated: 2025-03-14. Review status: criteria provided, single submitter. Criteria: Ambry Variant Classification Scheme 2023. Collection method: clinical testing. Allele origin: germline.

GeneDx
Classification: Uncertain significance. Last evaluated: 2023-07-13. Review status: criteria provided, single submitter. Criteria: GeneDx Variant Classification Process June 2021. Collection method: clinical testing. Allele origin: germline. Affected: yes.
Comment: Not observed at significant frequency in large population cohorts (gnomAD); In silico analysis supports that this missense variant does not alter protein structure/function; Has not been previously published as pathogenic or benign to our knowledge

Natera, Inc.
Classification: Uncertain significance for Alstrom syndrome. Last evaluated: 2020-08-13. Review status: no assertion criteria provided. Collection method: clinical testing. Allele origin: germline. Not counted in ClinVar's aggregate classification.

NM_001378454.1(ALMS1):c.5891C>A (p.Ala1964Asp)

Gene: ALMS1 (ALMS1 centrosome and basal body associated protein; plus strand). Cytogenetic location: 2p13.1.
Variant type: single nucleotide variant.
Coding change: c.5891C>A on transcript NM_001378454.1 (MANE Select); coding-DNA position 5891, C replaced by A.
Protein change: p.Ala1964Asp; replaces alanine 1964 with aspartic acid.
Molecular consequence: missense variant.
Genome position (GRCh38, 1-based): chr2:73,452,418, C>A. VCF-style: chr2-73452418-C-A. GRCh37 (hg19) VCF-style: chr2-73679545-C-A.
Other names: c.5894C>A, p.Ala1965Asp (NM_015120.4); short protein forms A1964D, A1965D.
Identifiers: ClinVar variation 990691 (VCV000990691.7), dbSNP rs1196949061, ClinGen allele CA347283795.
Genomic context (GRCh38, chr2:73,452,418, plus strand): 5'-GAGAGAAGCCCAGTGTTATCTCTCAACAGGAGTTGCCAGACAGTCATCTCACAGAAGAGG[C>A]TCTGAAAGTTTCACCTGTTTCTATACCAGCAGAGCAGAAGACTGGGATACCAATAGGACT-3'
Protein context (NP_001365383.1, residues 1954-1974): ELPDSHLTEE[Ala1964Asp]LKVSPVSIPA